The following is an entry in ClinVar:

NM_001171155.2(PET100):c.199C>T (p.Arg67Cys)

Genes: PET100 (PET100 cytochrome c oxidase chaperone; plus strand), STXBP2 (syntaxin binding protein 2; plus strand). Cytogenetic location: 19p13.2.
Variant type: single nucleotide variant.
Coding change: c.199C>T on transcript NM_001171155.2 (MANE Select); coding-DNA position 199, C replaced by T.
Protein change: p.Arg67Cys; replaces arginine 67 with cysteine.
Molecular consequence: missense variant. On other transcripts: non-coding transcript variant (1).
Genome position (GRCh38, 1-based): chr19:7,631,533, C>T. VCF-style: chr19-7631533-C-T. GRCh37 (hg19) VCF-style: chr19-7696419-C-T.
Other names: short protein forms R67C.
Identifiers: ClinVar variation 383457 (VCV000383457.13), dbSNP rs117661715, ClinGen allele CA9142873.

ClinVar aggregate classification (germline): Benign. Review status: criteria provided, multiple submitters, no conflicts (2 of 4 stars). 3 submissions from 3 submitters: Benign (3). Last evaluated 2026-01-31.

Allele frequency attached by ClinVar (database versions not stated): gnomAD exomes 0.00387 and 0.01118; ExAC 0.00414; gnomAD 0.00631 and 0.00764; TOPMed 0.00836; 1000 Genomes Project 30x 0.02389; 1000 Genomes Project 0.02676.
gnomAD v4.1: 6,653 of 1,535,792 alleles (0.43%); highest among the groups gnomAD compares: East Asian, 8.4%; 196 homozygotes.

Submissions (3):

Labcorp Genetics (formerly Invitae), Labcorp
Classification: Benign. Last evaluated: 2026-01-31. Review status: criteria provided, single submitter. Criteria: Invitae Variant Classification Sherloc (09022015). Collection method: clinical testing. Allele origin: germline.

GeneDx
Classification: Benign. Last evaluated: 2016-04-07. Review status: criteria provided, single submitter. Criteria: GeneDx Variant Classification (06012015). Collection method: clinical testing. Allele origin: germline. Affected: yes.
Comment: This variant is considered likely benign or benign based on one or more of the following criteria: it is a conservative change, it occurs at a poorly conserved position in the protein, it is predicted to be benign by multiple in silico algorithms, and/or has population frequency not consistent with disease.

Breakthrough Genomics
Classification: Benign. Review status: criteria provided, single submitter. Criteria: ACMG Guidelines, 2015. Collection method: not provided. Allele origin: germline. Inheritance: Autosomal recessive inheritance. Affected: yes.